The following is an entry in ClinVar:

NM_024426.6(WT1):c.405_422dup (p.Pro136_Pro141dup)

Genes: WT1 (WT1 transcription factor; minus strand), LOC107982234 (WT1/WT1-AS bi-directional promoter region; plus strand). Cytogenetic location: 11p13.
Variant type: Duplication.
Coding change: c.405_422dup on transcript NM_024426.6 (MANE Select); coding-DNA positions 405 to 422, 18 bases duplicated (ACCCCCGCCGCCGCCGCC).
Protein change: p.Pro136_Pro141dup.
Molecular consequence: inframe insertion. On other transcripts: non-coding transcript variant (1).
Genome position (GRCh38, 1-based): chr11:32,434,939-32,434,956, GGCGGCGGCGGCGGGGGT duplicated on the plus strand (ACCCCCGCCGCCGCCGCC on the coding strand, the reverse complement: WT1 is on the minus strand); duplicating any 18 consecutive bases within chr11:32,434,939-32,434,964 gives the same sequence; the c. name uses the placement nearest the transcript's 3' end. VCF-style (leftmost placement, unchanged base first): chr11-32434938-A-AGGCGGCGGCGGCGGGGGT. GRCh37 (hg19) VCF-style: chr11-32456484-A-AGGCGGCGGCGGCGGGGGT.
Other names: c.405_422dup, p.Pro136_Pro141dup (NM_000378.6, NM_024424.5); c.390_407dupACCCCCGCCGCCGCCGCC (NM_024426.4).
Identifiers: ClinVar variation 860109 (VCV000860109.10), dbSNP rs1853449457, ClinGen allele CA916081630.

ClinVar aggregate classification (germline): Uncertain significance. Review status: criteria provided, multiple submitters, no conflicts (2 of 4 stars). 2 submissions from 2 submitters: Uncertain significance (2). Last evaluated 2025-04-04.

Conditions:
Inborn genetic diseases. Identifiers: MedGen C0950123, MeSH D030342.
Frasier syndrome. Identifiers: Orphanet 347, MedGen C0950122, MeSH D052159, MONDO:0007635, OMIM 136680.
Drash syndrome (DDS). Also called: WILMS TUMOR AND PSEUDO- OR TRUE HERMAPHRODITISM; NEPHROPATHY, WILMS TUMOR, AND GENITAL ANOMALIES. Identifiers: Orphanet 220, MedGen C0950121, MONDO:0008682, OMIM 194080.
Wilms tumor 1 (WT1). Also called: Wilms tumor, somatic. Identifiers: Orphanet 654, MedGen CN033288, MONDO:0008679, OMIM 194070.
11p partial monosomy syndrome (WAGR). Also called: WAGR syndrome; CHROMOSOME 11p13 DELETION SYNDROME; WAGR Complex; WAGR Spectrum Disorder. Identifiers: Orphanet 893, MedGen C0206115, MONDO:0008681, OMIM 194072.

Submissions (2):

Ambry Genetics
Classification: Uncertain significance for Inborn genetic diseases. Last evaluated: 2025-04-04. Review status: criteria provided, single submitter. Criteria: Ambry Variant Classification Scheme 2023. Collection method: clinical testing. Allele origin: germline.
Comment: The c.390_407dup18 variant (also known as p.P131_P136dup), located in coding exon 1 of the WT1 gene, results from an in-frame duplication of 18 nucleotides at nucleotide positions 390 to 407. This results in the duplication of 6 extra residues (PPPPPP) between codons 131 and 136. This amino acid region is conserved on limited sequence alignment. In addition, this alteration is predicted to be neutral by in silico analysis (Choi Y et al. PLoS ONE. 2012; 7(10):e46688). Since supporting evidence is limited at this time, the clinical significance of this alteration remains unclear.

Labcorp Genetics (formerly Invitae), Labcorp
Classification: Uncertain significance for Wilms tumor 1; Drash syndrome; 11p partial monosomy syndrome; Frasier syndrome. Last evaluated: 2023-10-17. Review status: criteria provided, single submitter. Criteria: Invitae Variant Classification Sherloc (09022015). Collection method: clinical testing. Allele origin: germline.
Comment: This variant, c.390_407dup, results in the insertion of 6 amino acid(s) of the WT1 protein (p.Pro131_Pro136dup), but otherwise preserves the integrity of the reading frame. This variant is not present in population databases (gnomAD no frequency). This variant has been observed in individual(s) with clinical features of WT1-related conditions (Invitae). ClinVar contains an entry for this variant (Variation ID: 860109). Experimental studies and prediction algorithms are not available or were not evaluated, and the functional significance of this variant is currently unknown. In summary, the available evidence is currently insufficient to determine the role of this variant in disease. Therefore, it has been classified as a Variant of Uncertain Significance.